The following is an entry in ClinVar:

NM_004336.5(BUB1):c.942C>G (p.Ser314=)

Gene: BUB1 (BUB1 mitotic checkpoint serine/threonine kinase; minus strand). Cytogenetic location: 2q13.
Variant type: single nucleotide variant.
Coding change: c.942C>G on transcript NM_004336.5 (MANE Select); coding-DNA position 942, C replaced by G.
Protein change: p.Ser314=; no amino-acid change (serine 314 retained).
Molecular consequence: synonymous variant.
Genome position (GRCh38, 1-based): chr2:110,666,278, G>C on the plus strand (C>G on the coding strand, the complement: BUB1 is on the minus strand). VCF-style: chr2-110666278-G-C. GRCh37 (hg19) VCF-style: chr2-111423855-G-C.
Other names: c.882C>G, p.Ser294= (NM_001278616.2); c.942C>G, p.Ser314= (NM_001278617.2).
Identifiers: ClinVar variation 728453 (VCV000728453.45), dbSNP rs1801423, ClinGen allele CA1828207.

ClinVar aggregate classification (germline): Likely benign. Review status: criteria provided, multiple submitters, no conflicts (2 of 4 stars). 5 submissions from 5 submitters: Likely benign (4). 1 of the submissions does not count toward it. Last evaluated 2026-08-01.

Conditions:
BUB1-related disorder. Also called: BUB1-related condition.

Allele frequency attached by ClinVar (database versions not stated): TOPMed 0.00039; gnomAD 0.00041 and 0.00042; gnomAD exomes 0.00043 and 0.00059; ExAC 0.00057; ESP Exome Variant Server 0.00062.
gnomAD v4.1: 625 of 1,440,282 alleles (0.043%); highest among the groups gnomAD compares: Non-Finnish European, 0.046%; no homozygotes.

Submissions (5):

CeGaT Center for Human Genetics Tuebingen
Classification: Likely benign. Last evaluated: 2026-08-01. Review status: criteria provided, single submitter. Criteria: CeGaT Center For Human Genetics Tuebingen Variant Classification Criteria Version 2. Collection method: clinical testing. Allele origin: germline. Affected: yes. Observed: 7 variant alleles.
Comment: BUB1: BP4, BP7

Labcorp Genetics (formerly Invitae), Labcorp
Classification: Likely benign. Last evaluated: 2025-10-09. Review status: criteria provided, single submitter. Criteria: Invitae Variant Classification Sherloc (09022015). Collection method: clinical testing. Allele origin: germline.

Blueprint Genetics
Classification: Likely benign. Last evaluated: 2024-11-06. Review status: criteria provided, single submitter. Criteria: ACMG Guidelines, 2015. Collection method: clinical testing. Allele origin: germline.

Ambry Genetics
Classification: Likely benign. Last evaluated: 2022-02-12. Review status: criteria provided, single submitter. Criteria: Ambry Variant Classification Scheme 2023. Collection method: clinical testing. Allele origin: germline.

PreventionGenetics, part of Exact Sciences
Classification: Likely benign for BUB1-related condition. Last evaluated: 2019-03-08. Review status: no assertion criteria provided. Collection method: clinical testing. Allele origin: germline. Not counted in ClinVar's aggregate classification.
Comment: This variant is classified as likely benign based on ACMG/AMP sequence variant interpretation guidelines (Richards et al. 2015 PMID: 25741868, with internal and published modifications).